The following is an entry in ClinVar:

ClinVar aggregate classification (germline): Pathogenic. Review status: criteria provided, multiple submitters, no conflicts (2 of 4 stars). 4 submissions from 4 submitters: Pathogenic (4). Last evaluated 2026-06-14.

Conditions:
Kabuki syndrome 1 (KABUK1). Also called: KMT2D-Related Kabuki Syndrome. Identifiers: Orphanet 2322, MedGen CN030661, MONDO:0007843, OMIM 147920.
Choanal atresia-athelia-hypothyroidism-delayed puberty-short stature syndrome (BCAHH). Also called: BRANCHIAL ARCH ABNORMALITIES, CHOANAL ATRESIA, ATHELIA, HEARING LOSS, AND HYPOTHYROIDISM SYNDROME. Identifiers: Orphanet 589856, MedGen C5680310, MONDO:0035651, OMIM 620186.
KMT2D-related disorder. Also called: KMT2D-Related Disorders.

Submissions (4):

Victorian Clinical Genetics Services, Murdoch Childrens Research Institute
Classification: Pathogenic for Choanal atresia-athelia-hypothyroidism-delayed puberty-short stature syndrome. Last evaluated: 2026-06-14. Review status: criteria provided, single submitter. Criteria: ACMG Guidelines, 2015. Collection method: clinical testing. Allele origin: germline. Affected: yes.
Comment: This variant is classified as Pathogenic. Evidence in support of pathogenic classification: Variant is predicted to cause nonsense-mediated decay (NMD) and loss of protein (premature termination codon is located at least 54 nucleotides upstream of the final exon-exon junction); Variant is absent from gnomAD (v2, v3 and v4); This variant has moderate previous evidence of pathogenicity in unrelated individuals. This variant has been classified as pathogenic by a clinical laboratory in ClinVar. Additionally, it has previously been reported as pathogenic in at least two individuals with Kabuki syndrome 1 (MIM#147920), where inheritance information was unavailable (PMID: 21658225); Other NMD-predicted variants comparable to the one identified in this case have very strong previous evidence for pathogenicity. Many other loss of function variants have previously been reported as pathogenic in individuals with Kabuki syndrome 1 (MIM#147920) (ClinVar, DECIPHER); Additional information: This variant is heterozygous; This gene is associated with autosomal dominant disease; Loss of function is a known mechanism of disease in this gene and is associated with Kabuki syndrome 1 (MIM#147920) and branchial arch abnormalities, choanal atresia, athelia, hearing loss, and hypothyroidism syndrome (MIM#620186); Variants in this gene associated with Kabuki syndrome 1 (MIM#147920) are known to have variable expressivity (PMID: 21882399). Additionally, missense variants in exons 38-39 are associated with a phenotype distinct from Kabuki syndrome (PMIDs: 31949313, 35060672).

3billion
Classification: Pathogenic for Kabuki syndrome 1. Last evaluated: 2025-12-18. Review status: criteria provided, single submitter. Criteria: ACMG Guidelines, 2015. Collection method: clinical testing. Allele origin: germline. Affected: yes.
Comment: The variant is not observed in the gnomAD v4.1.0 dataset. Predicted Consequence/Location: Stop-gained (nonsense): predicted to result in a loss or disruption of normal protein function through nonsense-mediated decay (NMD) or protein truncation. Multiple pathogenic variants are reported downstream of the variant. The variant has been reported at least twice as pathogenic without evidence for the classification (ClinVar ID: VCV002500793 /PMID: 21658225). Therefore, this variant is classified as Pathogenic according to the recommendation of ACMG/AMP guideline.

GeneDx
Classification: Pathogenic. Last evaluated: 2024-10-28. Review status: criteria provided, single submitter. Criteria: GeneDx Variant Classification Process June 2021. Collection method: clinical testing. Allele origin: germline. Affected: yes.
Comment: Nonsense variant predicted to result in protein truncation or nonsense mediated decay in a gene for which loss of function is a known mechanism of disease; Not observed at significant frequency in large population cohorts (gnomAD); This variant is associated with the following publications: (PMID: 21658225, 25525159, 30107592, Bonuccelli2023[casereport], 32005694, 38206414)

Blueprint Genetics
Classification: Pathogenic for KMT2D-related disorders. Last evaluated: 2021-02-23. Review status: criteria provided, single submitter. Criteria: ACMG Guidelines, 2015. Collection method: clinical testing. Allele origin: germline. Affected: yes. Observed: 1 variant allele.

Literature cited by the submitters: PubMed 35060672 (cited by Victorian Clinical Genetics Services, Murdoch Childrens Research Institute); PubMed 21882399 (cited by Victorian Clinical Genetics Services, Murdoch Childrens Research Institute); PubMed 21658225 (cited by Victorian Clinical Genetics Services, Murdoch Childrens Research Institute and 3billion); PubMed 31949313 (cited by Victorian Clinical Genetics Services, Murdoch Childrens Research Institute).

NM_003482.4(KMT2D):c.11119C>T (p.Arg3707Ter)

Gene: KMT2D (lysine methyltransferase 2D; minus strand). Cytogenetic location: 12q13.12.
Variant type: single nucleotide variant.
Coding change: c.11119C>T on transcript NM_003482.4 (MANE Select); coding-DNA position 11119, C replaced by T.
Protein change: p.Arg3707Ter; replaces arginine 3707 with a stop codon.
Molecular consequence: nonsense.
Genome position (GRCh38, 1-based): chr12:49,033,586, G>A on the plus strand (C>T on the coding strand, the complement: KMT2D is on the minus strand). VCF-style: chr12-49033586-G-A. GRCh37 (hg19) VCF-style: chr12-49427369-G-A.
Other names: short protein forms R3707*.
Identifiers: ClinVar variation 2500793 (VCV002500793.6), dbSNP rs1565779294, ClinGen allele CA384723527.